The following is an entry in ClinVar:

ClinVar aggregate classification (germline): Conflicting classifications of pathogenicity. Review status: criteria provided, conflicting classifications (1 of 4 stars). 3 submissions from 3 submitters: Uncertain significance (2); Likely benign (1). Last evaluated 2025-08-14.

Conditions:
RP1L1-related disorder. Also called: RP1L1-related condition.
Inborn genetic diseases. Identifiers: MedGen C0950123, MeSH D030342.

gnomAD v4.1: 22 of 1,612,758 alleles (0.0014%); highest among the groups gnomAD compares: African/African-American, 0.027%; no homozygotes.

Submissions (3):

Ambry Genetics
Classification: Uncertain significance for Inborn genetic diseases. Last evaluated: 2025-08-14. Review status: criteria provided, single submitter. Criteria: Ambry Variant Classification Scheme 2023. Collection method: clinical testing. Allele origin: germline.

PreventionGenetics, part of Exact Sciences
Classification: Uncertain significance for RP1L1-related condition. Last evaluated: 2024-10-18. Review status: criteria provided, single submitter. Criteria: ACMG Guidelines, 2015. Collection method: clinical testing. Allele origin: germline.
Comment: The RP1L1 c.2907A>G variant is predicted to result in the amino acid substitution p.Ile969Met. To our knowledge, this variant has not been reported in the literature. This variant is reported in 0.042% of alleles in individuals of African descent in gnomAD. At this time, the clinical significance of this variant is uncertain due to the absence of conclusive functional and genetic evidence.

Blueprint Genetics
Classification: Likely benign. Last evaluated: 2021-09-10. Review status: criteria provided, single submitter. Criteria: ACMG Guidelines, 2015. Collection method: clinical testing. Allele origin: germline.

NM_178857.6(RP1L1):c.2907A>G (p.Ile969Met)

Gene: RP1L1 (RP1 like 1). Cytogenetic location: 8p23.1.
Variant type: single nucleotide variant.
Coding change: c.2907A>G on transcript NM_178857.6 (MANE Select); coding-DNA position 2907, A replaced by G.
Protein change: p.Ile969Met; replaces isoleucine 969 with methionine.
Molecular consequence: missense variant.
Genome position (GRCh38, 1-based): chr8:10,611,191, T>C on the plus strand (A>G on the coding strand, the complement: RP1L1 is on the minus strand). VCF-style: chr8-10611191-T-C. GRCh37 (hg19) VCF-style: chr8-10468701-T-C.
Other names: short protein forms I969M.
Identifiers: ClinVar variation 4156287 (VCV004156287.3).